The following is an entry in ClinVar:

NM_173598.6(KSR2):c.2595T>C (p.Tyr865=)

Gene: KSR2 (kinase suppressor of ras 2; minus strand). Cytogenetic location: 12q24.22.
Variant type: single nucleotide variant.
Coding change: c.2595T>C on transcript NM_173598.6 (MANE Select); coding-DNA position 2595, T replaced by C.
Protein change: p.Tyr865=; no amino-acid change (tyrosine 865 retained).
Molecular consequence: synonymous variant.
Genome position (GRCh38, 1-based): chr12:117,471,308, A>G on the plus strand (T>C on the coding strand, the complement: KSR2 is on the minus strand). VCF-style: chr12-117471308-A-G. GRCh37 (hg19) VCF-style: chr12-117909113-A-G.
Identifiers: ClinVar variation 3057800 (VCV003057800.2), dbSNP rs377200062, ClinGen allele CA6815671.

ClinVar aggregate classification (germline): Likely benign (0 of 4 stars; one submission).

Conditions:
KSR2-related disorder. Also called: KSR2-related condition.

Allele frequency attached by ClinVar (database versions not stated): gnomAD exomes 0.00001; ExAC 0.00004; gnomAD 0.00010; TOPMed 0.00016; ESP Exome Variant Server 0.00024.
gnomAD v4.1: 30 of 1,613,420 alleles (0.0019%); highest among the groups gnomAD compares: African/African-American, 0.037%; no homozygotes.

Submission:

PreventionGenetics, part of Exact Sciences
Classification: Likely benign for KSR2-related condition. Last evaluated: 2021-05-26. Review status: no assertion criteria provided. Collection method: clinical testing. Allele origin: germline.
Comment: This variant is classified as likely benign based on ACMG/AMP sequence variant interpretation guidelines (Richards et al. 2015 PMID: 25741868, with internal and published modifications).